The following is an entry in ClinVar:

ClinVar aggregate classification (germline): Uncertain significance. Review status: criteria provided, multiple submitters, no conflicts (2 of 4 stars). 2 submissions from 2 submitters: Uncertain significance (2). Last evaluated 2023-02-28.

Conditions:
Neuroblastoma, susceptibility to, 3. Also called: ALK-Related Neuroblastic Tumor Susceptibility. Identifiers: Orphanet 635, MedGen C2751681, MONDO:0013083, OMIM 613014.
Hereditary cancer-predisposing syndrome. Also called: Hereditary Cancer Syndrome; Hereditary neoplastic syndrome; Neoplastic Syndromes, Hereditary; Tumor predisposition. Identifiers: Orphanet 140162, MedGen C0027672, MeSH D009386, MONDO:0015356.

Submissions (2):

Ambry Genetics
Classification: Uncertain significance for Hereditary cancer-predisposing syndrome. Last evaluated: 2023-02-28. Review status: criteria provided, single submitter. Criteria: Ambry Variant Classification Scheme 2023. Collection method: clinical testing. Allele origin: germline.
Comment: The p.V1421A variant (also known as c.4262T>C), located in coding exon 29 of the ALK gene, results from a T to C substitution at nucleotide position 4262. The valine at codon 1421 is replaced by alanine, an amino acid with similar properties. This amino acid position is conserved. In addition, this alteration is predicted to be tolerated by in silico analysis. Since supporting evidence is limited at this time, the clinical significance of this alteration remains unclear.

Labcorp Genetics (formerly Invitae), Labcorp
Classification: Uncertain significance for Neuroblastoma, susceptibility to, 3. Last evaluated: 2022-09-30. Review status: criteria provided, single submitter. Criteria: Invitae Variant Classification Sherloc (09022015). Collection method: clinical testing. Allele origin: germline.
Comment: In summary, the available evidence is currently insufficient to determine the role of this variant in disease. Therefore, it has been classified as a Variant of Uncertain Significance. This sequence change replaces valine, which is neutral and non-polar, with alanine, which is neutral and non-polar, at codon 1421 of the ALK protein (p.Val1421Ala). This variant is not present in population databases (gnomAD no frequency). This variant has not been reported in the literature in individuals affected with ALK-related conditions. Algorithms developed to predict the effect of missense changes on protein structure and function are either unavailable or do not agree on the potential impact of this missense change (SIFT: "Deleterious"; PolyPhen-2: "Benign"; Align-GVGD: "Class C0").

NM_004304.5(ALK):c.4262T>C (p.Val1421Ala)

Gene: ALK (ALK receptor tyrosine kinase; minus strand). Cytogenetic location: 2p23.2.
Variant type: single nucleotide variant.
Coding change: c.4262T>C on transcript NM_004304.5 (MANE Select); coding-DNA position 4262, T replaced by C.
Protein change: p.Val1421Ala; replaces valine 1421 with alanine.
Molecular consequence: missense variant.
Genome position (GRCh38, 1-based): chr2:29,193,825, A>G on the plus strand (T>C on the coding strand, the complement: ALK is on the minus strand). VCF-style: chr2-29193825-A-G. GRCh37 (hg19) VCF-style: chr2-29416691-A-G.
Other names: c.1058T>C, p.Val353Ala (NM_001353765.2); c.4262T>C (NM_004304.4); short protein forms V1421A, V353A.
Identifiers: ClinVar variation 1720724 (VCV001720724.7), dbSNP rs1472924406, ClinGen allele CA346462965.